The following is an entry in ClinVar:

ClinVar aggregate classification (germline): Uncertain significance. Review status: criteria provided, multiple submitters, no conflicts (2 of 4 stars). 2 submissions from 2 submitters: Uncertain significance (2). Last evaluated 2026-03-07.

Conditions:
Inborn genetic diseases. Identifiers: MedGen C0950123, MeSH D030342.

Submissions (2):

Ambry Genetics
Classification: Uncertain significance for Inborn genetic diseases. Last evaluated: 2026-03-07. Review status: criteria provided, single submitter. Criteria: Ambry Variant Classification Scheme 2023. Collection method: clinical testing. Allele origin: germline.
Comment: The p.S123A variant (also known as c.367T>G), located in coding exon 3 of the MBD4 gene, results from a T to G substitution at nucleotide position 367. The serine at codon 123 is replaced by alanine, an amino acid with similar properties. This amino acid position is conserved. In addition, the in silico prediction for this alteration is inconclusive. Based on the available evidence, the clinical significance of this variant remains unclear.

Labcorp Genetics (formerly Invitae), Labcorp
Classification: Uncertain significance. Last evaluated: 2024-02-08. Review status: criteria provided, single submitter. Criteria: Invitae Variant Classification Sherloc (09022015). Collection method: clinical testing. Allele origin: germline.
Comment: This sequence change replaces serine, which is neutral and polar, with alanine, which is neutral and non-polar, at codon 123 of the MBD4 protein (p.Ser123Ala). This variant is not present in population databases (gnomAD no frequency). This variant has not been reported in the literature in individuals affected with MBD4-related conditions. An algorithm developed to predict the effect of missense changes on protein structure and function (PolyPhen-2) suggests that this variant is likely to be tolerated. In summary, the available evidence is currently insufficient to determine the role of this variant in disease. Therefore, it has been classified as a Variant of Uncertain Significance.

NM_001276270.2(MBD4):c.367T>G (p.Ser123Ala)

Gene: MBD4 (methyl-CpG binding domain 4, DNA glycosylase; minus strand). Cytogenetic location: 3q21.3.
Variant type: single nucleotide variant.
Coding change: c.367T>G on transcript NM_001276270.2 (MANE Select); coding-DNA position 367, T replaced by G.
Protein change: p.Ser123Ala; replaces serine 123 with alanine.
Molecular consequence: missense variant. On other transcripts: intron variant (1).
Genome position (GRCh38, 1-based): chr3:129,437,277, A>C on the plus strand (T>G on the coding strand, the complement: MBD4 is on the minus strand). VCF-style: chr3-129437277-A-C. GRCh37 (hg19) VCF-style: chr3-129156120-A-C.
Other names: c.367T>G, p.Ser123Ala (NM_001276271.2, NM_001276272.2, NM_003925.3); c.247+531T>G (NM_001276273.2); short protein forms S123A.
Identifiers: ClinVar variation 3639633 (VCV003639633.3).